The following is an entry in ClinVar:

ClinVar aggregate classification (germline): Uncertain significance. Review status: criteria provided, multiple submitters, no conflicts (2 of 4 stars). 2 submissions from 2 submitters: Uncertain significance (2). Last evaluated 2025-05-25.

Conditions:
Hereditary breast ovarian cancer syndrome. Also called: Hereditary breast and ovarian cancer syndrome; Hereditary breast and ovarian cancer; Hereditary breast and ovarian cancer syndrome (HBOC); Breast and ovarian cancer; Hereditary breast and/or ovarian cancer syndrome; BRCA1- and BRCA2-Associated Hereditary Breast and Ovarian Cancer. Identifiers: Orphanet 145, MedGen C0677776, MeSH D061325, MONDO:0003582. Disease mechanism: loss of function.
Hereditary cancer-predisposing syndrome. Also called: Neoplastic Syndromes, Hereditary; Tumor predisposition; Hereditary neoplastic syndrome; Hereditary Cancer Syndrome. Identifiers: Orphanet 140162, MedGen C0027672, MeSH D009386, MONDO:0015356.

Submissions (2):

Ambry Genetics
Classification: Uncertain significance for Hereditary cancer-predisposing syndrome. Last evaluated: 2025-05-25. Review status: criteria provided, single submitter. Criteria: Ambry Variant Classification Scheme 2023. Collection method: clinical testing. Allele origin: germline.
Comment: The c.4096+1G>T intronic variant results from a G to T substitution one nucleotide after coding exon 9 of the BRCA1 gene. This nucleotide position is highly conserved in available vertebrate species. In silico splice site analysis predicts that this alteration will weaken the native splice donor site; however, direct evidence is unavailable. Alterations that disrupt the canonical splice site are expected to cause aberrant splicing, resulting in an abnormal protein or a transcript that is subject to nonsense-mediated mRNA decay. However, this alteration is predicted to result in changes to naturally occurring, in-frame, isoforms and functional studies of these isoforms are uncertain with respect to clinically relevant disease (Colombo M et al. Hum. Mol. Genet., 2014 Jul;23:3666-80; Thakur S et al. Mol. Cell. Biol., 1997 Jan;17:444-52; Magdinier F et al. Oncogene, 1999 Jul;18:4039-43; Wilson CA et al. Oncogene, 1997 Jan;14:1-16; Huber LJ et al. Mol. Cell. Biol., 2001 Jun;21:4005-15; Wilson CA et al. Oncogene, 1997 Jan;14:1-16). Based on the available evidence, the clinical significance of this variant remains unclear.

Labcorp Genetics (formerly Invitae), Labcorp
Classification: Uncertain significance for Hereditary breast ovarian cancer syndrome. Last evaluated: 2022-02-19. Review status: criteria provided, single submitter. Criteria: Invitae Variant Classification Sherloc (09022015). Collection method: clinical testing. Allele origin: germline.
Comment: This sequence change affects a donor splice site in intron 10 of the BRCA1 gene. It is expected to disrupt RNA splicing. Variants that disrupt the donor or acceptor splice site typically lead to a loss of protein function (PMID: 16199547), and loss-of-function variants in BRCA1 are known to be pathogenic (PMID: 20104584). This variant is not present in population databases (gnomAD no frequency). This variant has not been reported in the literature in individuals affected with BRCA1-related conditions. ClinVar contains an entry for this variant (Variation ID: 824585). Studies have shown disruption of this splice site is associated with multiple RNA products, but one or more of the resulting mRNA isoform(s) may be naturally occurring (PMID: 17011978; Invitae). In summary, the available evidence is currently insufficient to determine the role of this variant in disease. Therefore, it has been classified as a Variant of Uncertain Significance.

Literature cited by the submitters: PubMed 16199547 (cited by Labcorp Genetics (formerly Invitae), Labcorp); PubMed 20104584 (cited by Labcorp Genetics (formerly Invitae), Labcorp); PubMed 17011978 (cited by Labcorp Genetics (formerly Invitae), Labcorp).

NM_007294.4(BRCA1):c.4096+1G>T

Genes: BRCA1 (BRCA1 DNA repair associated; minus strand), LOC126862571 (BRD4-independent group 4 enhancer GRCh37_chr17:41243136-41244335; plus strand). Cytogenetic location: 17q21.31.
Variant type: single nucleotide variant.
Coding change: c.4096+1G>T on transcript NM_007294.4 (MANE Select); the canonical splice donor site of the intron after coding-DNA position 4096, G replaced by T.
Molecular consequence: splice donor variant. On other transcripts: intron variant (135).
Genome position (GRCh38, 1-based): chr17:43,091,434, C>A on the plus strand (G>T on the coding strand, the complement: BRCA1 is on the minus strand). VCF-style: chr17-43091434-C-A. GRCh37 (hg19) VCF-style: chr17-41243451-C-A.
Other names: c.3970+1G>T (NM_001407940.1, NM_001407671.1, NM_001407649.1 and 11 more transcripts); c.785-402G>T (NM_001408401.1, NM_001408396.1, NM_001407985.1 and 13 more transcripts); c.4093+1G>T (NM_001407644.1, NM_001407627.1, NM_001407861.1 and 22 more transcripts); c.548-402G>T (NM_001408494.1); c.665-402G>T (NM_001408444.1, NM_001408438.1, NM_001408430.1 and 12 more transcripts); c.3973+1G>T (NM_001407682.1, NM_001407676.1, NM_001407863.1 and 19 more transcripts); c.671-402G>T (NM_001408423.1, NM_001408420.1, NM_001408419.1 and 2 more transcripts); c.788-402G>T (NM_001408404.1, NM_001408472.1, NM_001407990.1 and 17 more transcripts); and 41 more.
Identifiers: ClinVar variation 824585 (VCV000824585.11), dbSNP rs80358178, ClinGen allele CA10593762.